The following is an entry in ClinVar:

NM_000423.3(KRT2):c.1249-4A>G

Gene: KRT2 (keratin 2; minus strand). Cytogenetic location: 12q13.13.
Variant type: single nucleotide variant.
Coding change: c.1249-4A>G on transcript NM_000423.3 (MANE Select); 4 bases into the intron before coding-DNA position 1249, A replaced by G.
Molecular consequence: intron variant.
Genome position (GRCh38, 1-based): chr12:52,646,964, T>C on the plus strand (A>G on the coding strand, the complement: KRT2 is on the minus strand). VCF-style: chr12-52646964-T-C. GRCh37 (hg19) VCF-style: chr12-53040748-T-C.
Identifiers: ClinVar variation 882313 (VCV000882313.11), dbSNP rs759623198, ClinGen allele CA6585525.
Genomic context (GRCh38, chr12:52,646,964, plus strand): 5'-GAGGGCATGCTCCCCACGCTGCTCGGCATCTGCGATGGCATCTTGCACATTCTTACACTA[T>C]GACAGAAGGACAGAGAATGGATTCTGCCTGACGGAGGCGGACAGAGAGCAGAGGTGTTCG-3'

ClinVar aggregate classification (germline): Benign. Review status: criteria provided, multiple submitters, no conflicts (2 of 4 stars). 2 submissions from 2 submitters: Benign (2). Last evaluated 2024-10-15.

Conditions:
Ichthyosis bullosa of Siemens (IBS). Also called: Superficial epidermolytic ichthyosis. Identifiers: Orphanet 455, MedGen C0432306, MONDO:0007813, OMIM 146800.

Allele frequency attached by ClinVar (database versions not stated): gnomAD 0.00004; gnomAD exomes 0.00006 and 0.00013; TOPMed 0.00006; ExAC 0.00010.
gnomAD v4.1: 95 of 1,612,870 alleles (0.0059%); highest among the groups gnomAD compares: Non-Finnish European, 0.0014%; no homozygotes.

Submissions (2):

Labcorp Genetics (formerly Invitae), Labcorp
Classification: Benign. Last evaluated: 2024-10-15. Review status: criteria provided, single submitter. Criteria: Invitae Variant Classification Sherloc (09022015). Collection method: clinical testing. Allele origin: germline.

Illumina Laboratory Services, Illumina
Classification: Benign for Ichthyosis bullosa of Siemens. Last evaluated: 2018-01-13. Review status: criteria provided, single submitter. Criteria: ICSL Variant Classification Criteria 13 December 2019. Collection method: clinical testing. Allele origin: germline.
Comment: This variant was observed in the ICSL laboratory as part of a predisposition screen in an ostensibly healthy population. It had not been previously curated by ICSL or reported in the Human Gene Mutation Database (HGMD: prior to June 1st, 2018), and was therefore a candidate for classification through an automated scoring system. Utilizing variant allele frequency, disease prevalence and penetrance estimates, and inheritance mode, an automated score was calculated to assess if this variant is too frequent to cause the disease. Based on the score and internal cut-off values, a variant classified as benign is not then subjected to further curation. The score for this variant resulted in a classification of benign for this disease.